The following is an entry in ClinVar:

NM_001330360.2(POLA1):c.1714C>T (p.His572Tyr)

Gene: POLA1 (DNA polymerase alpha 1, catalytic subunit; plus strand). Cytogenetic location: Xp22.11.
Variant type: single nucleotide variant.
Coding change: c.1714C>T on transcript NM_001330360.2 (MANE Select); coding-DNA position 1714, C replaced by T.
Protein change: p.His572Tyr; replaces histidine 572 with tyrosine.
Molecular consequence: missense variant. On other transcripts: non-coding transcript variant (2).
Genome position (GRCh38, 1-based): chrX:24,732,397, C>T. VCF-style: chrX-24732397-C-T. GRCh37 (hg19) VCF-style: chrX-24750514-C-T.
Other names: c.1639C>T, p.His547Tyr (NM_001378303.1); c.1696C>T, p.His566Tyr (NM_016937.4); short protein forms H566Y, H547Y, H572Y.
Identifiers: ClinVar variation 3646022 (VCV003646022.2).

ClinVar aggregate classification (germline): Uncertain significance (1 of 4 stars; one submission).

Submission:

Labcorp Genetics (formerly Invitae), Labcorp
Classification: Uncertain significance. Last evaluated: 2024-08-15. Review status: criteria provided, single submitter. Criteria: Invitae Variant Classification Sherloc (09022015). Collection method: clinical testing. Allele origin: germline.
Comment: This sequence change replaces histidine, which is basic and polar, with tyrosine, which is neutral and polar, at codon 566 of the POLA1 protein (p.His566Tyr). This variant is not present in population databases (gnomAD no frequency). This variant has not been reported in the literature in individuals affected with POLA1-related conditions. Invitae Evidence Modeling of protein sequence and biophysical properties (such as structural, functional, and spatial information, amino acid conservation, physicochemical variation, residue mobility, and thermodynamic stability) indicates that this missense variant is not expected to disrupt POLA1 protein function with a negative predictive value of 80%. In summary, the available evidence is currently insufficient to determine the role of this variant in disease. Therefore, it has been classified as a Variant of Uncertain Significance.